The following is an entry in ClinVar:

ClinVar aggregate classification (germline): Uncertain significance (1 of 4 stars; one submission).

Conditions:
Idiopathic generalized epilepsy. Also called: EIG; Generalised epilepsy. Identifiers: MedGen C0270850, MONDO:0005579, OMIM 600669.

gnomAD v4.1: 2 of 1,548,822 alleles (0.00013%); highest among the groups gnomAD compares: Non-Finnish European, 0.00017%; no homozygotes.

Submission:

Labcorp Genetics (formerly Invitae), Labcorp
Classification: Uncertain significance for Idiopathic generalized epilepsy. Last evaluated: 2025-01-12. Review status: criteria provided, single submitter. Criteria: Invitae Variant Classification Sherloc (09022015). Collection method: clinical testing. Allele origin: germline.
Comment: This sequence change replaces alanine, which is neutral and non-polar, with aspartic acid, which is acidic and polar, at codon 233 of the RBFOX3 protein (p.Ala233Asp). This variant is not present in population databases (gnomAD no frequency). This variant has not been reported in the literature in individuals affected with RBFOX3-related conditions. Invitae Evidence Modeling of protein sequence and biophysical properties (such as structural, functional, and spatial information, amino acid conservation, physicochemical variation, residue mobility, and thermodynamic stability) indicates that this missense variant is not expected to disrupt RBFOX3 protein function with a negative predictive value of 80%. In summary, the available evidence is currently insufficient to determine the role of this variant in disease. Therefore, it has been classified as a Variant of Uncertain Significance.

NM_001350451.2(RBFOX3):c.698C>A (p.Ala233Asp)

Gene: RBFOX3 (RNA binding fox-1 homolog 3; minus strand). Cytogenetic location: 17q25.3.
Variant type: single nucleotide variant.
Coding change: c.698C>A on transcript NM_001350451.2 (MANE Select); coding-DNA position 698, C replaced by A.
Protein change: p.Ala233Asp; replaces alanine 233 with aspartic acid.
Molecular consequence: missense variant.
Genome position (GRCh38, 1-based): chr17:79,097,349, G>T on the plus strand (C>A on the coding strand, the complement: RBFOX3 is on the minus strand). VCF-style: chr17-79097349-G-T. GRCh37 (hg19) VCF-style: chr17-77093431-G-T.
Other names: c.698C>A, p.Ala233Asp (NM_001082575.3, NM_001385812.1, NM_001385813.1 and 33 more transcripts); c.695C>A, p.Ala232Asp (NM_001385806.1, NM_001385822.1, NM_001385823.1 and 4 more transcripts); c.605C>A, p.Ala202Asp (NM_001385824.1); c.719C>A, p.Ala240Asp (NM_001385827.1); c.551C>A, p.Ala184Asp (NM_001385847.1); short protein forms A232D, A240D, A233D, A184D, A202D.
Identifiers: ClinVar variation 3701800 (VCV003701800.2).